The following is an entry in ClinVar:

NM_000393.5(COL5A2):c.3208C>T (p.Arg1070Cys)

Gene: COL5A2 (collagen type V alpha 2 chain; minus strand). Cytogenetic location: 2q32.2.
Variant type: single nucleotide variant.
Coding change: c.3208C>T on transcript NM_000393.5 (MANE Select); coding-DNA position 3208, C replaced by T.
Protein change: p.Arg1070Cys; replaces arginine 1070 with cysteine.
Molecular consequence: missense variant.
Genome position (GRCh38, 1-based): chr2:189,045,901, G>A on the plus strand (C>T on the coding strand, the complement: COL5A2 is on the minus strand). VCF-style: chr2-189045901-G-A. GRCh37 (hg19) VCF-style: chr2-189910627-G-A.
Other names: p.R1070C:CGT>TGT; short protein forms R1070C.
Identifiers: ClinVar variation 213155 (VCV000213155.13), dbSNP rs754429372, ClinGen allele CA324192.

ClinVar aggregate classification (germline): Conflicting classifications of pathogenicity. Review status: criteria provided, conflicting classifications (1 of 4 stars). 4 submissions from 4 submitters: Uncertain significance (1); Likely benign (3). Last evaluated 2025-10-02.

Conditions:
Ehlers-Danlos syndrome, classic type, 1 (EDSCL1). Also called: EHLERS-DANLOS SYNDROME, GRAVIS TYPE; EHLERS-DANLOS SYNDROME, SEVERE CLASSIC TYPE; Ehlers-Danlos syndrome, type 1; Ehlers-Danlos Syndrome, Classic Type, COL5A1-Related; EDS I. Identifiers: MedGen C0268335, MONDO:0019567, OMIM 130000.

Allele frequency attached by ClinVar (database versions not stated): gnomAD exomes 0.00003 and 0.00010; ExAC 0.00005; gnomAD 0.00005; TOPMed 0.00005.
gnomAD v4.1: 143 of 1,613,380 alleles (0.0089%); highest among the groups gnomAD compares: Non-Finnish European, 0.011%; no homozygotes.

Submissions (4):

Labcorp Genetics (formerly Invitae), Labcorp
Classification: Likely benign for Ehlers-Danlos syndrome, classic type, 1. Last evaluated: 2025-10-02. Review status: criteria provided, single submitter. Criteria: Invitae Variant Classification Sherloc (09022015). Collection method: clinical testing. Allele origin: germline.

Women's Health and Genetics/Laboratory Corporation of America, LabCorp
Classification: Likely benign. Last evaluated: 2025-03-10. Review status: criteria provided, single submitter. Criteria: LabCorp Variant Classification Summary - May 2015. Collection method: clinical testing. Allele origin: germline.
Comment: Variant summary: COL5A2 c.3208C>T (p.Arg1070Cys) results in a non-conservative amino acid change in the encoded protein sequence. Five of five in-silico tools predict a damaging effect of the variant on protein function. The variant allele was found at a frequency of 8.9e-05 in 1613380 control chromosomes. The observed variant frequency is approximately 2.84 fold of the estimated maximal expected allele frequency for a pathogenic variant in COL5A2 causing Ehlers-Danlos syndrome, classic type, 2 phenotype (3.1e-05). To our knowledge, no occurrence of c.3208C>T in individuals affected with Ehlers-Danlos syndrome, classic type, 2 and no experimental evidence demonstrating its impact on protein function have been reported. ClinVar contains an entry for this variant (Variation ID: 213155). Based on the evidence outlined above, the variant was classified as likely benign.

Blueprint Genetics
Classification: Likely benign. Last evaluated: 2024-06-03. Review status: criteria provided, single submitter. Criteria: ACMG Guidelines, 2015. Collection method: clinical testing. Allele origin: germline.

GeneDx
Classification: Uncertain significance. Last evaluated: 2018-11-30. Review status: criteria provided, single submitter. Criteria: GeneDx Variant Classification (06012015). Collection method: clinical testing. Allele origin: germline. Affected: yes.
Comment: The R1070C variant has not been published as a mutation, nor has it been reported as a benign polymorphism to our knowledge. The R1070C variant was not observed in approximately 6,500 individuals of European and African American ancestry in the NHLBI Exome Sequencing Project, indicating it is not a common benign variant in these populations. The R1070C variant is a non-conservative amino acid substitution, which is likely to impact secondary protein structure as these residues differ in polarity, charge, size and/or other properties. This substitution occurs at a position that is conserved across species. In silico analysis predicts this variant is probably damaging to the protein structure/function. However, missense mutations in nearby residues have not been reported in HGMD, indicating this region of the protein may tolerate change. Therefore, based on the currently available information, it is unclear whether this variant is a pathogenic mutation or a rare benign variant.